The following is an entry in ClinVar:

ClinVar aggregate classification (germline): Uncertain significance (1 of 4 stars; one submission).

Conditions:
Hereditary cancer-predisposing syndrome. Also called: Neoplastic Syndromes, Hereditary; Hereditary Cancer Syndrome; Tumor predisposition; Hereditary neoplastic syndrome. Identifiers: Orphanet 140162, MedGen C0027672, MeSH D009386, MONDO:0015356.

Submission:

Ambry Genetics
Classification: Uncertain significance for Hereditary cancer-predisposing syndrome. Last evaluated: 2025-01-29. Review status: criteria provided, single submitter. Criteria: Ambry Variant Classification Scheme 2023. Collection method: clinical testing. Allele origin: germline.
Comment: The p.T681S variant (also known as c.2042C>G), located in coding exon 13 of the SMARCA4 gene, results from a C to G substitution at nucleotide position 2042. The threonine at codon 681 is replaced by serine, an amino acid with similar properties. This amino acid position is conserved. In addition, this alteration is predicted to be tolerated by in silico analysis. Based on the available evidence, the clinical significance of this variant remains unclear.

NM_003072.5(SMARCA4):c.2042C>G (p.Thr681Ser)

Gene: SMARCA4 (SWI/SNF related BAF chromatin remodeling complex subunit ATPase 4; plus strand). Cytogenetic location: 19p13.2.
Variant type: single nucleotide variant.
Coding change: c.2042C>G on transcript NM_003072.5 (MANE Select); coding-DNA position 2042, C replaced by G.
Protein change: p.Thr681Ser; replaces threonine 681 with serine.
Molecular consequence: missense variant. On other transcripts: non-coding transcript variant (1).
Genome position (GRCh38, 1-based): chr19:11,007,942, C>G. VCF-style: chr19-11007942-C-G. GRCh37 (hg19) VCF-style: chr19-11118618-C-G.
Other names: c.2042C>G, p.Thr681Ser (NM_001128844.3, NM_001128845.2, NM_001128846.2 and 6 more transcripts); short protein forms T681S.
Identifiers: ClinVar variation 3798912 (VCV003798912.1).